The following is an entry in ClinVar:

NM_001242896.3(DEPDC5):c.3550A>T (p.Met1184Leu)

Gene: DEPDC5 (DEP domain containing 5, GATOR1 subcomplex subunit; plus strand). Cytogenetic location: 22q12.3.
Variant type: single nucleotide variant.
Coding change: c.3550A>T on transcript NM_001242896.3 (MANE Select); coding-DNA position 3550, A replaced by T.
Protein change: p.Met1184Leu; replaces methionine 1184 with leucine.
Molecular consequence: missense variant. On other transcripts: non-coding transcript variant (4).
Genome position (GRCh38, 1-based): chr22:31,873,319, A>T. VCF-style: chr22-31873319-A-T. GRCh37 (hg19) VCF-style: chr22-32269305-A-T.
Other names: c.3523A>T, p.Met1175Leu (NM_001136029.4); c.3250A>T, p.Met1084Leu (NM_001242897.2); c.3484A>T, p.Met1162Leu (NM_001363852.2, NM_001364320.2); c.3316A>T, p.Met1106Leu (NM_001363854.2, NM_001364319.2); c.3550A>T, p.Met1184Leu (NM_001364318.2); c.3466A>T, p.Met1156Leu (NM_001369901.1, NM_001369902.1); c.3457A>T, p.Met1153Leu (NM_001369903.1, NM_014662.6); short protein forms M1106L, M1153L, M1175L, M1184L, M1084L, M1156L, M1162L.
Identifiers: ClinVar variation 2743099 (VCV002743099.3), dbSNP rs370842746, ClinGen allele CA10197018.

ClinVar aggregate classification (germline): Uncertain significance (1 of 4 stars; one submission).

Conditions:
Familial focal epilepsy with variable foci (FPEVF). Identifiers: Orphanet 98820, MedGen C1858477, MONDO:0020310.

Allele frequency attached by ClinVar (database versions not stated): ESP Exome Variant Server 0.00008; TOPMed below 0.00001; ExAC 0.00001.

Submission:

Labcorp Genetics (formerly Invitae), Labcorp
Classification: Uncertain significance for Familial focal epilepsy with variable foci. Last evaluated: 2025-06-19. Review status: criteria provided, single submitter. Criteria: Invitae Variant Classification Sherloc (09022015). Collection method: clinical testing. Allele origin: germline.
Comment: This sequence change replaces methionine, which is neutral and non-polar, with leucine, which is neutral and non-polar, at codon 1184 of the DEPDC5 protein (p.Met1184Leu). This variant is present in population databases (rs370842746, gnomAD 0.007%). This variant has not been reported in the literature in individuals affected with DEPDC5-related conditions. ClinVar contains an entry for this variant (Variation ID: 2743099). Experimental studies and prediction algorithms are not available or were not evaluated, and the functional significance of this variant is currently unknown. In summary, the available evidence is currently insufficient to determine the role of this variant in disease. Therefore, it has been classified as a Variant of Uncertain Significance.